The following is an entry in ClinVar:

ClinVar aggregate classification (germline): Uncertain significance. Review status: criteria provided, multiple submitters, no conflicts (2 of 4 stars). 3 submissions from 3 submitters: Uncertain significance (3). Last evaluated 2025-10-20.

Conditions:
Ullrich congenital muscular dystrophy 2 (UCMD2). Identifiers: Orphanet 75840, MedGen C4225314, MONDO:0014654, OMIM 616470.
Bethlem myopathy 2 (BTHLM2). Identifiers: Orphanet 536516, Orphanet 610, MedGen C4225313, MONDO:0034022, OMIM 616471.

Allele frequency attached by ClinVar (database versions not stated): TOPMed 0.00002; ExAC 0.00001.
gnomAD v4.1: 35 of 1,612,186 alleles (0.0022%); highest among the groups gnomAD compares: African/African-American, 0.0027%; no homozygotes.

Submissions (3):

Labcorp Genetics (formerly Invitae), Labcorp
Classification: Uncertain significance for Bethlem myopathy 2; Ullrich congenital muscular dystrophy 2. Last evaluated: 2025-10-20. Review status: criteria provided, single submitter. Criteria: Invitae Variant Classification Sherloc (09022015). Collection method: clinical testing. Allele origin: germline.
Comment: This sequence change replaces arginine, which is basic and polar, with glutamine, which is neutral and polar, at codon 1434 of the COL12A1 protein (p.Arg1434Gln). This variant is present in population databases (rs779064060, gnomAD 0.004%). This missense change has been observed in individual(s) with clinical features of COL12A1-related conditions (PMID: 31127727). ClinVar contains an entry for this variant (Variation ID: 855101). Invitae Evidence Modeling of protein sequence and biophysical properties (such as structural, functional, and spatial information, amino acid conservation, physicochemical variation, residue mobility, and thermodynamic stability) indicates that this missense variant is not expected to disrupt COL12A1 protein function with a negative predictive value of 80%. In summary, the available evidence is currently insufficient to determine the role of this variant in disease. Therefore, it has been classified as a Variant of Uncertain Significance.

Mayo Clinic Laboratories, Mayo Clinic
Classification: Uncertain significance. Last evaluated: 2024-04-29. Review status: criteria provided, single submitter. Criteria: ACMG Guidelines, 2015. Collection method: clinical testing. Allele origin: germline. Observed: 1 variant allele.

GeneDx
Classification: Uncertain significance. Last evaluated: 2022-10-19. Review status: criteria provided, single submitter. Criteria: GeneDx Variant Classification Process June 2021. Collection method: clinical testing. Allele origin: germline. Affected: yes.
Comment: Identified in patient with myalgia, fatigue, and mild myopathic features on muscle biopsy, and segregated with disease in an affected brother (Westra et al., 2019); In silico analysis supports that this missense variant does not alter protein structure/function; This variant is associated with the following publications: (PMID: 27149842, 31127727)

Literature cited by the submitters: PubMed 31127727 (cited by Labcorp Genetics (formerly Invitae), Labcorp and Mayo Clinic Laboratories, Mayo Clinic).

NM_004370.6(COL12A1):c.4301G>A (p.Arg1434Gln)

Gene: COL12A1 (collagen type XII alpha 1 chain; minus strand). Cytogenetic location: 6q13.
Variant type: single nucleotide variant.
Coding change: c.4301G>A on transcript NM_004370.6 (MANE Select); coding-DNA position 4301, G replaced by A.
Protein change: p.Arg1434Gln; replaces arginine 1434 with glutamine.
Molecular consequence: missense variant.
Genome position (GRCh38, 1-based): chr6:75,147,791, C>T on the plus strand (G>A on the coding strand, the complement: COL12A1 is on the minus strand). VCF-style: chr6-75147791-C-T. GRCh37 (hg19) VCF-style: chr6-75857507-C-T.
Other names: p.Arg1434Gln; c.809G>A, p.Arg270Gln (NM_080645.3); short protein forms R270Q, R1434Q.
Identifiers: ClinVar variation 855101 (VCV000855101.9), dbSNP rs779064060, ClinGen allele CA3893479.